The following is an entry in ClinVar:

NM_001849.4(COL6A2):c.1973C>T (p.Thr658Met)

Gene: COL6A2 (collagen type VI alpha 2 chain; plus strand). Cytogenetic location: 21q22.3.
Variant type: single nucleotide variant.
Coding change: c.1973C>T on transcript NM_001849.4 (MANE Select); coding-DNA position 1973, C replaced by T.
Protein change: p.Thr658Met; replaces threonine 658 with methionine.
Molecular consequence: missense variant.
Genome position (GRCh38, 1-based): chr21:46,125,788, C>T. VCF-style: chr21-46125788-C-T. GRCh37 (hg19) VCF-style: chr21-47545702-C-T.
Other names: c.1973C>T, p.Thr658Met (NM_058174.3, NM_058175.3); c.1973C>T (NM_001849.3); short protein forms T658M.
Identifiers: ClinVar variation 1059265 (VCV001059265.13), dbSNP rs758788067, ClinGen allele CA10072400.

ClinVar aggregate classification (germline): Conflicting classifications of pathogenicity. Review status: criteria provided, conflicting classifications (1 of 4 stars). 4 submissions from 4 submitters: Uncertain significance (3); Likely benign (1). Last evaluated 2024-10-18.

Conditions:
Bethlem myopathy 1A. Also called: Bethlem myopathy 1; MYOPATHY, BENIGN CONGENITAL, WITH CONTRACTURES; Bethlem Muscular Dystrophy. Identifiers: Orphanet 610, MedGen CN029274, MONDO:0024530, OMIM 158810.

Allele frequency attached by ClinVar (database versions not stated): gnomAD 0.00001; gnomAD exomes 0.00001 and 0.00003; TOPMed 0.00002; ExAC 0.00003.
gnomAD v4.1: 24 of 1,611,232 alleles (0.0015%); highest among the groups gnomAD compares: Middle Eastern, 0.016%; no homozygotes.

Submissions (4):

Labcorp Genetics (formerly Invitae), Labcorp
Classification: Likely benign for Bethlem myopathy 1A. Last evaluated: 2024-10-18. Review status: criteria provided, single submitter. Criteria: Invitae Variant Classification Sherloc (09022015). Collection method: clinical testing. Allele origin: germline.

Blueprint Genetics
Classification: Uncertain significance. Last evaluated: 2024-05-24. Review status: criteria provided, single submitter. Criteria: ACMG Guidelines, 2015. Collection method: clinical testing. Allele origin: germline.

GeneDx
Classification: Uncertain significance. Last evaluated: 2023-10-19. Review status: criteria provided, single submitter. Criteria: GeneDx Variant Classification Process June 2021. Collection method: clinical testing. Allele origin: germline. Affected: yes.
Comment: In silico analysis supports that this missense variant has a deleterious effect on protein structure/function; Has not been previously published as pathogenic or benign to our knowledge

Revvity Omics, Revvity
Classification: Uncertain significance. Last evaluated: 2023-08-17. Review status: criteria provided, single submitter. Criteria: ACMG Guidelines, 2015. Collection method: clinical testing. Allele origin: germline.